The following is an entry in ClinVar:

ClinVar aggregate classification (germline): Uncertain significance (1 of 4 stars; one submission).

Conditions:
Hereditary cancer-predisposing syndrome. Also called: Neoplastic Syndromes, Hereditary; Tumor predisposition; Hereditary Cancer Syndrome; Hereditary neoplastic syndrome. Identifiers: Orphanet 140162, MedGen C0027672, MeSH D009386, MONDO:0015356.

Submission:

Ambry Genetics
Classification: Uncertain significance for Hereditary cancer-predisposing syndrome. Last evaluated: 2025-11-11. Review status: criteria provided, single submitter. Criteria: Ambry Variant Classification Scheme 2023. Collection method: clinical testing. Allele origin: germline.
Comment: The p.L5V variant (also known as c.13C>G), located in coding exon 1 of the MITF gene, results from a C to G substitution at nucleotide position 13. The leucine at codon 5 is replaced by valine, an amino acid with highly similar properties. This amino acid position is conserved. In addition, this alteration is predicted to be tolerated by in silico analysis. Based on the available evidence, the clinical significance of this variant remains unclear.

NM_000248.4(MITF):c.13C>G (p.Leu5Val)

Gene: MITF (melanocyte inducing transcription factor; plus strand). Cytogenetic location: 3p13.
Variant type: single nucleotide variant.
Coding change: c.13C>G on transcript NM_000248.4 (MANE Plus Clinical); coding-DNA position 13, C replaced by G.
Protein change: p.Leu5Val; replaces leucine 5 with valine.
Molecular consequence: missense variant. On other transcripts: intron variant (9).
Genome position (GRCh38, 1-based): chr3:69,936,735, C>G. VCF-style: chr3-69936735-C-G. GRCh37 (hg19) VCF-style: chr3-69985886-C-G.
Other names: c.13C>G, p.Leu5Val (NM_001184968.2, NM_198158.3, NM_198178.3); c.304-1087C>G (NM_001354607.2); c.199-1087C>G (NM_001354608.2, NM_001184967.2); c.355-1087C>G (NM_001354604.2, NM_198159.3); c.352-1087C>G (NM_001354605.2, NM_001354606.2, NM_006722.3); c.307-1087C>G (NM_198177.3); short protein forms L5V.
Identifiers: ClinVar variation 4648792 (VCV004648792.1).
Genomic context (GRCh38, chr3:69,936,735, plus strand): 5'-GGATAGTCTACCGTCTCTCACTGGATTGGTGCCACCTAAAACATTGTTATGCTGGAAATG[C>G]TAGAATATAATCACTATCAGGTGAGATTTATTCTGACTCATATTCAGTCTTTGAAATATA-3'
Protein context (NP_000239.1, residues 1-15): MLEM[Leu5Val]EYNHYQVQTH